The following is an entry in ClinVar:

NM_177438.3(DICER1):c.5629A>C (p.Lys1877Gln)

Gene: DICER1 (dicer 1, ribonuclease III; minus strand). Cytogenetic location: 14q32.13.
Variant type: single nucleotide variant.
Coding change: c.5629A>C on transcript NM_177438.3 (MANE Select); coding-DNA position 5629, A replaced by C.
Protein change: p.Lys1877Gln; replaces lysine 1877 with glutamine.
Molecular consequence: missense variant. On other transcripts: synonymous variant (1).
Genome position (GRCh38, 1-based): chr14:95,090,638, T>G on the plus strand (A>C on the coding strand, the complement: DICER1 is on the minus strand). VCF-style: chr14-95090638-T-G. GRCh37 (hg19) VCF-style: chr14-95556975-T-G.
Other names: c.5466A>C, p.Gly1822= (NM_001195573.1); c.5629A>C, p.Lys1877Gln (NM_001271282.3, NM_001291628.2, NM_030621.4); short protein forms K1877Q.
Identifiers: ClinVar variation 1015942 (VCV001015942.10), dbSNP rs1889709120, ClinGen allele CA390863659.

ClinVar aggregate classification (germline): Uncertain significance (1 of 4 stars; one submission).

Conditions:
DICER1-related tumor predisposition. Also called: DICER1-related pleuropulmonary blastoma cancer predisposition syndrome; DICER1 syndrome. Identifiers: Orphanet 284343, MedGen C3839822, MONDO:0100216.

Allele frequency attached by ClinVar (database versions not stated): TOPMed 0.00001.

Submission:

Labcorp Genetics (formerly Invitae), Labcorp
Classification: Uncertain significance for DICER1-related tumor predisposition. Last evaluated: 2020-08-31. Review status: criteria provided, single submitter. Criteria: Invitae Variant Classification Sherloc (09022015). Collection method: clinical testing. Allele origin: germline.
Comment: In summary, the available evidence is currently insufficient to determine the role of this variant in disease. Therefore, it has been classified as a Variant of Uncertain Significance. Algorithms developed to predict the effect of missense changes on protein structure and function are either unavailable or do not agree on the potential impact of this missense change (SIFT: "Deleterious"; PolyPhen-2: "Possibly Damaging"; Align-GVGD: "Class C0"). This variant has not been reported in the literature in individuals with DICER1-related conditions. This variant is not present in population databases (ExAC no frequency). This sequence change replaces lysine with glutamine at codon 1877 of the DICER1 protein (p.Lys1877Gln). The lysine residue is highly conserved and there is a small physicochemical difference between lysine and glutamine.